The following is an entry in ClinVar:

ClinVar aggregate classification (germline): Likely benign. Review status: criteria provided, multiple submitters, no conflicts (2 of 4 stars). 3 submissions from 3 submitters: Likely benign (3). Last evaluated 2025-01-19.

Conditions:
Andersen Tawil syndrome (LQT7). Also called: ANDERSEN CARDIODYSRHYTHMIC PERIODIC PARALYSIS; Potassium-sensitive periodic paralysis, ventricular ectopy, and dysmorphic features; LONG QT SYNDROME 7; PERIODIC PARALYSIS, POTASSIUM-SENSITIVE CARDIODYSRHYTHMIC TYPE; Andersen Syndrome. Identifiers: Orphanet 37553, MedGen C1563715, MONDO:0008222, OMIM 170390.
Short QT syndrome type 3. Identifiers: Orphanet 51083, MedGen C1865018, MONDO:0012314, OMIM 609622.
Cardiovascular phenotype. Identifiers: MedGen CN230736.

Allele frequency attached by ClinVar (database versions not stated): gnomAD 0.00001; TOPMed 0.00001.
gnomAD v4.1: 2 of 1,614,068 alleles (0.00012%); highest among the groups gnomAD compares: Admixed American, 0.0017%; no homozygotes.

Submissions (3):

Labcorp Genetics (formerly Invitae), Labcorp
Classification: Likely benign for Short QT syndrome type 3; Andersen Tawil syndrome. Last evaluated: 2025-01-19. Review status: criteria provided, single submitter. Criteria: Invitae Variant Classification Sherloc (09022015). Collection method: clinical testing. Allele origin: germline.

Ambry Genetics
Classification: Likely benign for Cardiovascular phenotype. Last evaluated: 2022-08-08. Review status: criteria provided, single submitter. Criteria: Ambry Variant Classification Scheme 2023. Collection method: clinical testing. Allele origin: germline.

GeneDx
Classification: Likely benign. Last evaluated: 2017-10-24. Review status: criteria provided, single submitter. Criteria: GeneDx Variant Classification (06012015). Collection method: clinical testing. Allele origin: germline. Affected: yes.
Comment: This variant is considered likely benign or benign based on one or more of the following criteria: it is a conservative change, it occurs at a poorly conserved position in the protein, it is predicted to be benign by multiple in silico algorithms, and/or has population frequency not consistent with disease.

NM_000891.3(KCNJ2):c.222C>T (p.Thr74=)

Gene: KCNJ2 (potassium inwardly rectifying channel subfamily J member 2; plus strand). Cytogenetic location: 17q24.3.
Variant type: single nucleotide variant.
Coding change: c.222C>T on transcript NM_000891.3 (MANE Select); coding-DNA position 222, C replaced by T.
Protein change: p.Thr74=; no amino-acid change (threonine 74 retained).
Molecular consequence: synonymous variant.
Genome position (GRCh38, 1-based): chr17:70,175,261, C>T. VCF-style: chr17-70175261-C-T. GRCh37 (hg19) VCF-style: chr17-68171402-C-T.
Identifiers: ClinVar variation 512939 (VCV000512939.10), dbSNP rs1053161336, ClinGen allele CA293702906.